The following is an entry in ClinVar:

ClinVar aggregate classification (germline): Uncertain significance (1 of 4 stars; one submission).

Conditions:
Charcot-Marie-Tooth disease type 2. Also called: Charcot-Marie-Tooth type 2. Identifiers: Orphanet 64746, MedGen C0270914, MONDO:0018993.

gnomAD v4.1: 2 of 1,614,090 alleles (0.00012%); highest among the groups gnomAD compares: Non-Finnish European, 0.00017%; no homozygotes.

Submission:

Labcorp Genetics (formerly Invitae), Labcorp
Classification: Uncertain significance for Charcot-Marie-Tooth disease type 2. Last evaluated: 2025-02-25. Review status: criteria provided, single submitter. Criteria: Invitae Variant Classification Sherloc (09022015). Collection method: clinical testing. Allele origin: germline.
Comment: This sequence change replaces methionine, which is neutral and non-polar, with lysine, which is basic and polar, at codon 63 of the AARS protein (p.Met63Lys). This variant is not present in population databases (gnomAD no frequency). This variant has not been reported in the literature in individuals affected with AARS-related conditions. ClinVar contains an entry for this variant (Variation ID: 2903401). An algorithm developed to predict the effect of missense changes on protein structure and function (PolyPhen-2) suggests that this variant is likely to be disruptive. In summary, the available evidence is currently insufficient to determine the role of this variant in disease. Therefore, it has been classified as a Variant of Uncertain Significance.

NM_001605.3(AARS1):c.188T>A (p.Met63Lys)

Gene: AARS1 (alanyl-tRNA synthetase 1; minus strand). Cytogenetic location: 16q22.1.
Variant type: single nucleotide variant.
Coding change: c.188T>A on transcript NM_001605.3 (MANE Select); coding-DNA position 188, T replaced by A.
Protein change: p.Met63Lys; replaces methionine 63 with lysine.
Molecular consequence: missense variant.
Genome position (GRCh38, 1-based): chr16:70,277,111, A>T on the plus strand (T>A on the coding strand, the complement: AARS1 is on the minus strand). VCF-style: chr16-70277111-A-T. GRCh37 (hg19) VCF-style: chr16-70311014-A-T.
Other names: short protein forms M63K.
Identifiers: ClinVar variation 2903401 (VCV002903401.3), dbSNP rs2507029751, ClinGen allele CA396569764.